The following is an entry in ClinVar:

NM_001374385.1(ATP8B1):c.782-34G>A

Gene: ATP8B1 (ATPase phospholipid transporting 8B1; minus strand). Cytogenetic location: 18q21.31.
Variant type: single nucleotide variant.
Coding change: c.782-34G>A on transcript NM_001374385.1 (MANE Select); 34 bases into the intron before coding-DNA position 782, G replaced by A.
Molecular consequence: intron variant.
Genome position (GRCh38, 1-based): chr18:57,695,363, C>T on the plus strand (G>A on the coding strand, the complement: ATP8B1 is on the minus strand). VCF-style: chr18-57695363-C-T. GRCh37 (hg19) VCF-style: chr18-55362595-C-T.
Other names: c.782-34G>A (NM_005603.6); c.632-34G>A (NM_001374386.1).
Identifiers: ClinVar variation 4846547 (VCV004846547.1).

ClinVar aggregate classification (germline): Likely benign (1 of 4 stars; one submission).

Conditions:
Familial intrahepatic cholestasis. Identifiers: Orphanet 284385, MedGen CN296401, MONDO:0017290.

gnomAD v4.1: 2 of 1,590,572 alleles (0.00013%); highest among the groups gnomAD compares: Non-Finnish European, 0.00017%; no homozygotes.

Submission:

Genomenon, Inc
Classification: Likely benign for Familial intrahepatic cholestasis. Last evaluated: 2026-04-14. Review status: criteria provided, single submitter. Criteria: Genomenon Sequence Variant Interpretation Standards - Updated. Collection method: curation. Allele origin: germline. Affected: no.
Comment: ATP8B1 c.782-34G>A is an intronic variant located in intron 9. This variant has been reported in the published literature (PMID:24260417). It is absent or not present at a significant frequency in gnomAD. This intronic variant is not predicted to impact splicing. In conclusion, we classify ATP8B1 c.782-34G>A as a likely benign variant.

Literature cited by the submitters: PubMed 24260417.